The following is an entry in ClinVar:

ClinVar aggregate classification (germline): Uncertain significance (1 of 4 stars; one submission).

Submission:

Women's Health and Genetics/Laboratory Corporation of America, LabCorp
Classification: Uncertain significance. Last evaluated: 2026-02-19. Review status: criteria provided, single submitter. Criteria: LabCorp Variant Classification Summary - May 2015. Collection method: clinical testing. Allele origin: germline.
Comment: Variant summary: FLT4 c.2116G>A (p.Ala706Thr) results in a non-conservative amino acid change in the encoded protein sequence. Algorithms developed to predict the effect of missense changes on protein structure and function are either unavailable or do not agree on the potential impact of this missense change. The variant allele was found at a frequency of 1.6e-05 in 247944 control chromosomes. The available data on variant occurrences in the general population are insufficient to allow any conclusion about variant significance. c.2116G>A has been observed in individual(s) affected with FLT4-Related Disorders without evidence for causality (Sierant_2025). These report(s) do not provide unequivocal conclusions about association of the variant with FLT4-Related Disorders. To our knowledge, no experimental evidence demonstrating an impact on protein function has been reported. The following publication have been ascertained in the context of this evaluation (PMID: 40127276). No submitters have cited clinical-significance assessments for this variant to ClinVar. Based on the evidence outlined above, the variant was classified as uncertain significance.

Literature cited by the submitters: PubMed 40127276.

NM_182925.5(FLT4):c.2116G>A (p.Ala706Thr)

Gene: FLT4 (fms related receptor tyrosine kinase 4; minus strand). Cytogenetic location: 5q35.3.
Variant type: single nucleotide variant.
Coding change: c.2116G>A on transcript NM_182925.5 (MANE Select); coding-DNA position 2116, G replaced by A.
Protein change: p.Ala706Thr; replaces alanine 706 with threonine.
Molecular consequence: missense variant.
Genome position (GRCh38, 1-based): chr5:180,621,157, C>T on the plus strand (G>A on the coding strand, the complement: FLT4 is on the minus strand). VCF-style: chr5-180621157-C-T. GRCh37 (hg19) VCF-style: chr5-180048157-C-T.
Other names: c.2116G>A, p.Ala706Thr (NM_001354989.2, NM_002020.5); short protein forms A706T.
Identifiers: ClinVar variation 4848219 (VCV004848219.1).
Genomic context (GRCh38, chr5:180,621,157, plus strand): 5'-CCTCCCTACCAGACTTTTCCTCCAGCAGCCTCTCGTCTTTGTACCACACGATGCTGGGCG[C>T]GTGCGCTCCGGCCACCAAGCACTGCATCTCCAGCGAGTCGCTCACGTTCACCAGGAGGTC-3'
Protein context (NP_891555.2, residues 696-716): EMQCLVAGAH[Ala706Thr]PSIVWYKDER